The following is an entry in ClinVar:

NM_014855.3(AP5Z1):c.1776G>A (p.Pro592=)

Gene: AP5Z1 (adaptor related protein complex 5 subunit zeta 1; plus strand). Cytogenetic location: 7p22.1.
Variant type: single nucleotide variant.
Coding change: c.1776G>A on transcript NM_014855.3 (MANE Select); coding-DNA position 1776, G replaced by A.
Protein change: p.Pro592=; no amino-acid change (proline 592 retained).
Molecular consequence: synonymous variant. On other transcripts: non-coding transcript variant (1).
Genome position (GRCh38, 1-based): chr7:4,789,900, G>A. VCF-style: chr7-4789900-G-A. GRCh37 (hg19) VCF-style: chr7-4829531-G-A.
Other names: c.1308G>A, p.Pro436= (NM_001364858.1).
Identifiers: ClinVar variation 3257176 (VCV003257176.19).

ClinVar aggregate classification (germline): Likely benign. Review status: criteria provided, multiple submitters, no conflicts (2 of 4 stars). 2 submissions from 2 submitters: Likely benign (2). Last evaluated 2024-07-03.

Conditions:
Hereditary spastic paraplegia 48. Also called: SPASTIC PARAPLEGIA 48, AUTOSOMAL RECESSIVE; Spastic paraplegia 48. Identifiers: Orphanet 306511, MedGen C3150901, MONDO:0013342, OMIM 613647.

gnomAD v4.1: 83 of 1,550,078 alleles (0.0054%); highest among the groups gnomAD compares: East Asian, 0.012%; no homozygotes.

Submissions (2):

Labcorp Genetics (formerly Invitae), Labcorp
Classification: Likely benign for Hereditary spastic paraplegia 48. Last evaluated: 2024-07-03. Review status: criteria provided, single submitter. Criteria: Invitae Variant Classification Sherloc (09022015). Collection method: clinical testing. Allele origin: germline.

CeGaT Center for Human Genetics Tuebingen
Classification: Likely benign. Last evaluated: 2024-07-01. Review status: criteria provided, single submitter. Criteria: CeGaT Center For Human Genetics Tuebingen Variant Classification Criteria Version 2. Collection method: clinical testing. Allele origin: germline. Affected: yes. Observed: 1 variant allele.
Comment: AP5Z1: BP4, BP7